The following is an entry in ClinVar:

NM_017649.5(CNNM2):c.2059G>A (p.Val687Ile)

Gene: CNNM2 (cyclin and CBS domain divalent metal cation transport mediator 2; plus strand). Cytogenetic location: 10q24.32.
Variant type: single nucleotide variant.
Coding change: c.2059G>A on transcript NM_017649.5 (MANE Select); coding-DNA position 2059, G replaced by A.
Protein change: p.Val687Ile; replaces valine 687 with isoleucine.
Molecular consequence: missense variant.
Genome position (GRCh38, 1-based): chr10:103,056,950, G>A. VCF-style: chr10-103056950-G-A. GRCh37 (hg19) VCF-style: chr10-104816707-G-A.
Other names: c.2059G>A (NM_017649.3); c.2059G>A, p.Val687Ile (NM_199076.3); short protein forms V687I.
Identifiers: ClinVar variation 1696738 (VCV001696738.6), dbSNP rs779494027, ClinGen allele CA5670515.

ClinVar aggregate classification (germline): Conflicting classifications of pathogenicity. Review status: criteria provided, conflicting classifications (1 of 4 stars). 5 submissions from 5 submitters: Uncertain significance (4); Benign (1). Last evaluated 2026-05-16.

Conditions:
Inborn genetic diseases. Identifiers: MedGen C0950123, MeSH D030342.
Hypomagnesemia, seizures, and impaired intellectual development 1. Also called: Hypomagnesemia, seizures, and intellectual disability 1. Identifiers: Orphanet 34527, MedGen C4225333, MONDO:0020787, OMIM 616418.

Allele frequency attached by ClinVar (database versions not stated): ExAC 0.00006; gnomAD exomes 0.00008 and 0.00004; TOPMed 0.00003; gnomAD 0.00003.
gnomAD v4.1: 114 of 1,610,644 alleles (0.0071%); highest among the groups gnomAD compares: Non-Finnish European, 0.0092%; no homozygotes.

Submissions (5):

Revvity Omics, Revvity
Classification: Benign. Last evaluated: 2026-05-16. Review status: criteria provided, single submitter. Criteria: ACMG Guidelines, 2015. Collection method: clinical testing. Allele origin: germline.

Labcorp Genetics (formerly Invitae), Labcorp
Classification: Uncertain significance. Last evaluated: 2026-01-25. Review status: criteria provided, single submitter. Criteria: Invitae Variant Classification Sherloc (09022015). Collection method: clinical testing. Allele origin: germline.
Comment: This sequence change replaces valine, which is neutral and non-polar, with isoleucine, which is neutral and non-polar, at codon 687 of the CNNM2 protein (p.Val687Ile). This variant is present in population databases (rs779494027, gnomAD 0.009%). This variant has not been reported in the literature in individuals affected with CNNM2-related conditions. ClinVar contains an entry for this variant (Variation ID: 1696738). An algorithm developed to predict the effect of missense changes on protein structure and function (PolyPhen-2) suggests that this variant is likely to be tolerated. In summary, the available evidence is currently insufficient to determine the role of this variant in disease. Therefore, it has been classified as a Variant of Uncertain Significance.

Women's Health and Genetics/Laboratory Corporation of America, LabCorp
Classification: Uncertain significance. Last evaluated: 2025-12-28. Review status: criteria provided, single submitter. Criteria: LabCorp Variant Classification Summary - May 2015. Collection method: clinical testing. Allele origin: germline.
Comment: Variant summary: CNNM2 c.2059G>A (p.Val687Ile) results in a conservative amino acid change in the encoded protein sequence. Algorithms developed to predict the effect of missense changes on protein structure and function are either unavailable or do not agree on the potential impact of this missense change. The variant allele was found at a frequency of 4.5e-05 in 245792 control chromosomes. This frequency is not significantly higher than estimated for disease-causing variants in CNNM2, allowing no conclusion about variant significance. To our knowledge, no occurrence of c.2059G>A in individuals affected with CNNM2-related conditions and no experimental evidence demonstrating its impact on protein function have been reported. ClinVar contains an entry for this variant (Variation ID: 1696738). Based on the evidence outlined above, the variant was classified as uncertain significance.

Ambry Genetics
Classification: Uncertain significance for Inborn genetic diseases. Last evaluated: 2024-06-17. Review status: criteria provided, single submitter. Criteria: Ambry Variant Classification Scheme 2023. Collection method: clinical testing. Allele origin: germline.

New York Genome Center
Classification: Uncertain significance for Hypomagnesemia, seizures, and impaired intellectual development 1. Last evaluated: 2021-07-23. Review status: criteria provided, single submitter. Criteria: NYGC Assertion Criteria 2020. Collection method: clinical testing. Allele origin: inherited. Observed: 1 heterozygote. Study: CSER-NYCKidSeq.